The following is an entry in ClinVar:

NM_005612.5(REST):c.2492C>T (p.Ala831Val)

Gene: REST (RE1 silencing transcription factor; plus strand). Cytogenetic location: 4q12.
Variant type: single nucleotide variant.
Coding change: c.2492C>T on transcript NM_005612.5 (MANE Select); coding-DNA position 2492, C replaced by T.
Protein change: p.Ala831Val; replaces alanine 831 with valine.
Molecular consequence: missense variant.
Genome position (GRCh38, 1-based): chr4:56,931,350, C>T. VCF-style: chr4-56931350-C-T. GRCh37 (hg19) VCF-style: chr4-57797516-C-T.
Other names: c.2492C>T, p.Ala831Val (NM_001193508.2, NM_001363453.3); short protein forms A831V.
Identifiers: ClinVar variation 1432282 (VCV001432282.6), dbSNP rs2109577609, ClinGen allele CA357008905.

ClinVar aggregate classification (germline): Uncertain significance (1 of 4 stars; one submission).

Allele frequency attached by ClinVar (database versions not stated): gnomAD exomes below 0.00001.
gnomAD v4.1: 2 of 1,614,202 alleles (0.00012%); highest among the groups gnomAD compares: Non-Finnish European, 0.00017%; no homozygotes.

Submission:

Labcorp Genetics (formerly Invitae), Labcorp
Classification: Uncertain significance. Last evaluated: 2024-05-13. Review status: criteria provided, single submitter. Criteria: Invitae Variant Classification Sherloc (09022015). Collection method: clinical testing. Allele origin: germline.
Comment: This sequence change replaces alanine, which is neutral and non-polar, with valine, which is neutral and non-polar, at codon 831 of the REST protein (p.Ala831Val). This variant is not present in population databases (gnomAD no frequency). This variant has not been reported in the literature in individuals affected with REST-related conditions. ClinVar contains an entry for this variant (Variation ID: 1432282). Algorithms developed to predict the effect of missense changes on protein structure and function output the following: SIFT: "Not Available"; PolyPhen-2: "Benign"; Align-GVGD: "Not Available". The valine amino acid residue is found in multiple mammalian species, which suggests that this missense change does not adversely affect protein function. In summary, the available evidence is currently insufficient to determine the role of this variant in disease. Therefore, it has been classified as a Variant of Uncertain Significance.